The following is an entry in ClinVar:

ClinVar aggregate classification (germline): Likely benign. Review status: criteria provided, multiple submitters, no conflicts (2 of 4 stars). 2 submissions from 2 submitters: Likely benign (2). Last evaluated 2024-05-25.

Conditions:
Familial thoracic aortic aneurysm and aortic dissection (TAAD). Also called: Thoracic aortic aneurysms and dissections. Identifiers: Orphanet 91387, MedGen C4707243, MONDO:0019625.

Allele frequency attached by ClinVar (database versions not stated): gnomAD exomes below 0.00001; gnomAD 0.00001; TOPMed 0.00002.
gnomAD v4.1: 3 of 1,614,026 alleles (0.00019%); highest among the groups gnomAD compares: African/African-American, 0.004%; no homozygotes.

Submissions (2):

Ambry Genetics
Classification: Likely benign for Familial thoracic aortic aneurysm and aortic dissection. Last evaluated: 2024-05-25. Review status: criteria provided, single submitter. Criteria: Ambry Variant Classification Scheme 2023. Collection method: clinical testing. Allele origin: germline.

GeneDx
Classification: Likely benign. Last evaluated: 2018-02-26. Review status: criteria provided, single submitter. Criteria: GeneDx Variant Classification (06012015). Collection method: clinical testing. Allele origin: germline. Affected: yes.
Comment: This variant is considered likely benign or benign based on one or more of the following criteria: it is a conservative change, it occurs at a poorly conserved position in the protein, it is predicted to be benign by multiple in silico algorithms, and/or has population frequency not consistent with disease.

NM_053025.4(MYLK):c.750C>T (p.Ile250=)

Gene: MYLK (myosin light chain kinase; minus strand). Cytogenetic location: 3q21.1.
Variant type: single nucleotide variant.
Coding change: c.750C>T on transcript NM_053025.4 (MANE Select); coding-DNA position 750, C replaced by T.
Protein change: p.Ile250=; no amino-acid change (isoleucine 250 retained).
Molecular consequence: synonymous variant.
Genome position (GRCh38, 1-based): chr3:123,737,382, G>A on the plus strand (C>T on the coding strand, the complement: MYLK is on the minus strand). VCF-style: chr3-123737382-G-A. GRCh37 (hg19) VCF-style: chr3-123456229-G-A.
Other names: c.222C>T, p.Ile74= (NM_001321309.2); c.750C>T, p.Ile250= (NM_053026.4, NM_053027.4, NM_053028.4).
Identifiers: ClinVar variation 69718 (VCV000069718.2), dbSNP rs147622308, ClinGen allele CA16602252.